The following is an entry in ClinVar:

ClinVar aggregate classification (germline): Likely benign (1 of 4 stars; one submission).

Submission:

CeGaT Center for Human Genetics Tuebingen
Classification: Likely benign. Last evaluated: 2023-02-01. Review status: criteria provided, single submitter. Criteria: CeGaT Center For Human Genetics Tuebingen Variant Classification Criteria Version 2. Collection method: clinical testing. Allele origin: germline. Affected: yes. Observed: 1 variant allele.
Comment: PDE2A: PM2:Supporting, BP4, BP7

NM_002599.5(PDE2A):c.225C>G (p.Leu75=)

Gene: PDE2A (phosphodiesterase 2A; minus strand). Cytogenetic location: 11q13.4.
Variant type: single nucleotide variant.
Coding change: c.225C>G on transcript NM_002599.5 (MANE Select); coding-DNA position 225, C replaced by G.
Protein change: p.Leu75=; no amino-acid change (leucine 75 retained).
Molecular consequence: synonymous variant.
Genome position (GRCh38, 1-based): chr11:72,608,671, G>C on the plus strand (C>G on the coding strand, the complement: PDE2A is on the minus strand). VCF-style: chr11-72608671-G-C. GRCh37 (hg19) VCF-style: chr11-72319715-G-C.
Other names: c.204C>G, p.Leu68= (NM_001143839.4); c.198C>G, p.Leu66= (NM_001146209.3); c.162C>G, p.Leu54= (NM_001243784.2).
Identifiers: ClinVar variation 2642128 (VCV002642128.24), dbSNP rs2496475597, ClinGen allele CA475624711.